The following is an entry in ClinVar:

ClinVar aggregate classification (germline): Uncertain significance (1 of 4 stars; one submission).

Conditions:
Inborn genetic diseases. Identifiers: MedGen C0950123, MeSH D030342.

Submission:

Ambry Genetics
Classification: Uncertain significance for Inborn genetic diseases. Last evaluated: 2025-10-15. Review status: criteria provided, single submitter. Criteria: Ambry Variant Classification Scheme 2023. Collection method: clinical testing. Allele origin: germline.
Comment: The p.K397R variant (also known as c.1190A>G), located in coding exon 7 of the ERCC6L2 gene, results from an A to G substitution at nucleotide position 1190. The lysine at codon 397 is replaced by arginine, an amino acid with highly similar properties. This amino acid position is conserved. In addition, this alteration is predicted to be tolerated by in silico analysis. Based on the available evidence, the clinical significance of this variant remains unclear.

NM_020207.7(ERCC6L2):c.1190A>G (p.Lys397Arg)

Gene: ERCC6L2 (ERCC excision repair 6 like 2; plus strand). Cytogenetic location: 9q22.32.
Variant type: single nucleotide variant.
Coding change: c.1190A>G on transcript NM_020207.7 (MANE Select); coding-DNA position 1190, A replaced by G.
Protein change: p.Lys397Arg; replaces lysine 397 with arginine.
Molecular consequence: missense variant. On other transcripts: non-coding transcript variant (1).
Genome position (GRCh38, 1-based): chr9:95,921,206, A>G. VCF-style: chr9-95921206-A-G. GRCh37 (hg19) VCF-style: chr9-98683488-A-G.
Other names: c.1190A>G, p.Lys397Arg (NM_001010895.4, NM_001375291.1, NM_001375292.1 and 2 more transcripts); short protein forms K397R.
Identifiers: ClinVar variation 4618730 (VCV004618730.1).
Genomic context (GRCh38, chr9:95,921,206, plus strand): 5'-AATAACTACCTTGTATTTTATCTTGGCAGATGGTGTATTGTTCTTTGACAGATTTCCAGA[A>G]AGCTGTCTATCAAACAGTGTTAGAAACAGAGGACGTGACTTTGATACTTCAATCTTCTGA-3'
Protein context (NP_064592.3, residues 387-407): MVYCSLTDFQ[Lys397Arg]AVYQTVLETE